The following is an entry in ClinVar:

ClinVar aggregate classification (germline): Uncertain significance (0 of 4 stars; one submission).

Conditions:
NR0B2-related disorder. Also called: NR0B2-related condition.

Allele frequency attached by ClinVar (database versions not stated): ExAC 0.00004; gnomAD 0.00005; gnomAD exomes 0.00005; TOPMed 0.00006; ESP Exome Variant Server 0.00008.
gnomAD v4.1: 75 of 1,508,510 alleles (0.005%); highest among the groups gnomAD compares: African/African-American, 0.021%; no homozygotes.

Submission:

PreventionGenetics, part of Exact Sciences
Classification: Uncertain significance for NR0B2-related condition. Last evaluated: 2024-02-26. Review status: no assertion criteria provided. Collection method: clinical testing. Allele origin: germline.
Comment: The NR0B2 c.113G>A variant is predicted to result in the amino acid substitution p.Arg38His. This variant has been reported in a control cohort in a study of individuals with CADASIL (Zhou et al. 2010. PubMed ID: 20516075). Cellular functional studies within this same publication provided conflicting evidence on the effect of the p.Arg38His substitution on protein function (Zhou et al. 2010. PubMed ID: 20516075). This variant is reported in 0.0085% of alleles in individuals of African descent in gnomAD. At this time, the clinical significance of this variant is uncertain due to the absence of conclusive functional and genetic evidence.

NM_021969.3(NR0B2):c.113G>A (p.Arg38His)

Genes: NR0B2 (nuclear receptor subfamily 0 group B member 2; minus strand), NUDC (nuclear distribution C, dynein complex regulator; plus strand). Cytogenetic location: 1p36.11.
Variant type: single nucleotide variant.
Coding change: c.113G>A on transcript NM_021969.3 (MANE Select); coding-DNA position 113, G replaced by A.
Protein change: p.Arg38His; replaces arginine 38 with histidine.
Molecular consequence: missense variant.
Genome position (GRCh38, 1-based): chr1:26,913,828, C>T on the plus strand (G>A on the coding strand, the complement: NR0B2 is on the minus strand). VCF-style: chr1-26913828-C-T. GRCh37 (hg19) VCF-style: chr1-27240319-C-T.
Other names: short protein forms R38H.
Identifiers: ClinVar variation 2636902 (VCV002636902.3), dbSNP rs75738889, ClinGen allele CA709728.